The following is an entry in ClinVar:

ClinVar aggregate classification (germline): Uncertain significance (1 of 4 stars; one submission).

Conditions:
Atrioventricular septal defect 4 (AVSD4). Identifiers: MedGen C3280781, MONDO:0013747, OMIM 614430.

Allele frequency attached by ClinVar (database versions not stated): ExAC 0.00009.
gnomAD v4.1: 1 of 1,534,262 alleles (0.000065%); highest among the groups gnomAD compares: South Asian, 0.0012%; no homozygotes.

Submission:

Labcorp Genetics (formerly Invitae), Labcorp
Classification: Uncertain significance for Atrioventricular septal defect 4. Last evaluated: 2023-03-23. Review status: criteria provided, single submitter. Criteria: Invitae Variant Classification Sherloc (09022015). Collection method: clinical testing. Allele origin: germline.
Comment: ClinVar contains an entry for this variant (Variation ID: 1026397). In summary, the available evidence is currently insufficient to determine the role of this variant in disease. Therefore, it has been classified as a Variant of Uncertain Significance. An algorithm developed to predict the effect of missense changes on protein structure and function (PolyPhen-2) suggests that this variant is likely to be tolerated. This variant has not been reported in the literature in individuals affected with GATA4-related conditions. This variant is present in population databases (rs766590532, gnomAD 0.004%). This sequence change replaces proline, which is neutral and non-polar, with arginine, which is basic and polar, at codon 42 of the GATA4 protein (p.Pro42Arg).

NM_001308093.3(GATA4):c.125C>G (p.Pro42Arg)

Gene: GATA4 (GATA binding protein 4). Cytogenetic location: 8p23.1.
Variant type: single nucleotide variant.
Coding change: c.125C>G on transcript NM_001308093.3 (MANE Select); coding-DNA position 125, C replaced by G.
Protein change: p.Pro42Arg; replaces proline 42 with arginine.
Molecular consequence: missense variant. On other transcripts: intron variant (3).
Genome position (GRCh38, 1-based): chr8:11,708,437, C>G. VCF-style: chr8-11708437-C-G. GRCh37 (hg19) VCF-style: chr8-11565946-C-G.
Other names: c.125C>G, p.Pro42Arg (NM_002052.5); c.-6+7659C>G (NM_001308094.2); c.-3+423C>G (NM_001374274.1); c.-3+4133C>G (NM_001374273.1); short protein forms P42R.
Identifiers: ClinVar variation 1026397 (VCV001026397.8), dbSNP rs766590532, ClinGen allele CA4630609.